The following is an entry in ClinVar:

NM_020975.6(RET):c.1931T>G (p.Phe644Cys)

Gene: RET (ret proto-oncogene; plus strand). Cytogenetic location: 10q11.21.
Variant type: single nucleotide variant.
Coding change: c.1931T>G on transcript NM_020975.6 (MANE Select); coding-DNA position 1931, T replaced by G.
Protein change: p.Phe644Cys; replaces phenylalanine 644 with cysteine.
Molecular consequence: missense variant.
Genome position (GRCh38, 1-based): chr10:43,114,531, T>G. VCF-style: chr10-43114531-T-G. GRCh37 (hg19) VCF-style: chr10-43609979-T-G.
Other names: c.1931T>G, p.Phe644Cys (NM_000323.2, NM_001406743.1, NM_001406744.1 and 4 more transcripts); c.1169T>G, p.Phe390Cys (NM_001355216.2); c.1802T>G, p.Phe601Cys (NM_001406761.1, NM_001406762.1, NM_001406764.1); c.1643T>G, p.Phe548Cys (NM_001406766.1, NM_001406767.1, NM_001406770.1); c.1535T>G, p.Phe512Cys (NM_001406769.1, NM_001406772.1); c.1493T>G, p.Phe498Cys (NM_001406771.1, NM_001406773.1); c.1406T>G, p.Phe469Cys (NM_001406774.1); c.1205T>G, p.Phe402Cys (NM_001406775.1, NM_001406776.1, NM_001406777.1 and 1 more transcripts); and 7 more; short protein forms F644C, F390C, F601C, F305C, F314C, F469C, F302C, F498C.
Identifiers: ClinVar variation 486332 (VCV000486332.7), dbSNP rs1554818910, ClinGen allele CA376552962.
Genomic context (GRCh38, chr10:43,114,531, plus strand): 5'-CACCCACAGATCCACTGTGCGACGAGCTGTGCCGCACGGTGATCGCAGCCGCTGTCCTCT[T>G]CTCCTTCATCGTCTCGGTGCTGCTGTCTGCCTTCTGCATCCACTGCTACCACAAGTTTGC-3'
Protein context (NP_066124.1, residues 634-654): CRTVIAAAVL[Phe644Cys]SFIVSVLLSA

ClinVar aggregate classification (germline): Uncertain significance (1 of 4 stars; one submission).

Conditions:
Hereditary cancer-predisposing syndrome. Also called: Tumor predisposition; Hereditary Cancer Syndrome; Hereditary neoplastic syndrome; Neoplastic Syndromes, Hereditary. Identifiers: Orphanet 140162, MedGen C0027672, MeSH D009386, MONDO:0015356.

Submission:

Ambry Genetics
Classification: Uncertain significance for Hereditary cancer-predisposing syndrome. Last evaluated: 2016-01-21. Review status: criteria provided, single submitter. Criteria: Ambry Variant Classification Scheme 2023. Collection method: clinical testing. Allele origin: germline.
Comment: The p.F644C variant (also known as c.1931T>G), located in coding exon 11 of the RET gene, results from a T to G substitution at nucleotide position 1931. The phenylalanine at codon 644 is replaced by cysteine, an amino acid with highly dissimilar properties. This variant was not reported in population based cohorts in the following databases: Database of Single Nucleotide Polymorphisms (dbSNP), NHLBI Exome Sequencing Project (ESP), and 1000 Genomes Project. In the ESP, this variant was not observed in 6503 samples (13006 alleles) with coverage at this position. To date, this alteration has been detected with an allele frequency of approximately 0.01% (greater than 10000 alleles tested) in our clinical cohort. This amino acid position is well conserved in available vertebrate species. In addition, the in silico prediction for this alteration is inconclusive. Since supporting evidence is limited at this time, the clinical significance of this alteration remains unclear.